The following is an entry in ClinVar:

ClinVar aggregate classification (germline): Pathogenic (1 of 4 stars; one submission).

Submission:

Labcorp Genetics (formerly Invitae), Labcorp
Classification: Pathogenic. Last evaluated: 2022-03-27. Review status: criteria provided, single submitter. Criteria: Invitae Variant Classification Sherloc (09022015). Collection method: clinical testing. Allele origin: germline.
Comment: This sequence change creates a premature translational stop signal (p.Glu1282*) in the LRPPRC gene. It is expected to result in an absent or disrupted protein product. Loss-of-function variants in LRPPRC are known to be pathogenic (PMID: 26510951). This variant is not present in population databases (gnomAD no frequency). This variant has not been reported in the literature in individuals affected with LRPPRC-related conditions. Algorithms developed to predict the effect of sequence changes on RNA splicing suggest that this variant may disrupt the consensus splice site. For these reasons, this variant has been classified as Pathogenic.

Literature cited by the submitters: PubMed 26510951.

NM_133259.4(LRPPRC):c.3844G>T (p.Glu1282Ter)

Gene: LRPPRC (leucine rich pentatricopeptide repeat containing; minus strand). Cytogenetic location: 2p21.
Variant type: single nucleotide variant.
Coding change: c.3844G>T on transcript NM_133259.4 (MANE Select); coding-DNA position 3844, G replaced by T.
Protein change: p.Glu1282Ter; replaces glutamic acid 1282 with a stop codon.
Molecular consequence: nonsense.
Genome position (GRCh38, 1-based): chr2:43,896,690, C>A on the plus strand (G>T on the coding strand, the complement: LRPPRC is on the minus strand). VCF-style: chr2-43896690-C-A. GRCh37 (hg19) VCF-style: chr2-44123829-C-A.
Other names: short protein forms E1282*.
Identifiers: ClinVar variation 2084629 (VCV002084629.4), dbSNP rs1313744161, ClinGen allele CA346675525.